The following is an entry in ClinVar:

NM_005188.4(CBL):c.1672T>C (p.Ser558Pro)

Gene: CBL (Cbl proto-oncogene; plus strand). Cytogenetic location: 11q23.3.
Variant type: single nucleotide variant.
Coding change: c.1672T>C on transcript NM_005188.4 (MANE Select); coding-DNA position 1672, T replaced by C.
Protein change: p.Ser558Pro; replaces serine 558 with proline.
Molecular consequence: missense variant.
Genome position (GRCh38, 1-based): chr11:119,285,297, T>C. VCF-style: chr11-119285297-T-C. GRCh37 (hg19) VCF-style: chr11-119156007-T-C.
Other names: short protein forms S558P.
Identifiers: ClinVar variation 3634397 (VCV003634397.2).

ClinVar aggregate classification (germline): Uncertain significance (1 of 4 stars; one submission).

Conditions:
RASopathy. Also called: rasopathies; Noonan spectrum disorder. Identifiers: Orphanet 536391, MedGen C5555857, MONDO:0021060.

Submission:

Labcorp Genetics (formerly Invitae), Labcorp
Classification: Uncertain significance for RASopathy. Last evaluated: 2024-12-23. Review status: criteria provided, single submitter. Criteria: Invitae Variant Classification Sherloc (09022015). Collection method: clinical testing. Allele origin: germline.
Comment: This sequence change replaces serine, which is neutral and polar, with proline, which is neutral and non-polar, at codon 558 of the CBL protein (p.Ser558Pro). This variant is not present in population databases (gnomAD no frequency). This variant has not been reported in the literature in individuals affected with CBL-related conditions. Invitae Evidence Modeling of protein sequence and biophysical properties (such as structural, functional, and spatial information, amino acid conservation, physicochemical variation, residue mobility, and thermodynamic stability) indicates that this missense variant is not expected to disrupt CBL protein function with a negative predictive value of 95%. In summary, the available evidence is currently insufficient to determine the role of this variant in disease. Therefore, it has been classified as a Variant of Uncertain Significance.